The following is an entry in ClinVar:

NM_002160.4(TNC):c.2365A>G (p.Asn789Asp)

Gene: TNC (tenascin C; minus strand). Cytogenetic location: 9q33.1.
Variant type: single nucleotide variant.
Coding change: c.2365A>G on transcript NM_002160.4 (MANE Select); coding-DNA position 2365, A replaced by G.
Protein change: p.Asn789Asp; replaces asparagine 789 with aspartic acid.
Molecular consequence: missense variant.
Genome position (GRCh38, 1-based): chr9:115,081,811, T>C on the plus strand (A>G on the coding strand, the complement: TNC is on the minus strand). VCF-style: chr9-115081811-T-C. GRCh37 (hg19) VCF-style: chr9-117844090-T-C.
Other names: c.2365A>G, p.Asn789Asp (NM_001439096.1, NM_001439097.1, NM_001439098.1 and 35 more transcripts); short protein forms N789D.
Identifiers: ClinVar variation 4881527 (VCV004881527.2).

ClinVar aggregate classification (germline): Uncertain significance (1 of 4 stars; one submission).

gnomAD v4.1: 1 of 1,613,576 alleles (0.000062%); highest among the groups gnomAD compares: Non-Finnish European, 0.000085%; no homozygotes.

Submission:

Dasa
Classification: Uncertain significance. Last evaluated: 2025-04-23. Review status: criteria provided, single submitter. Criteria: DASA Assertion Criteria. Collection method: clinical testing. Allele origin: germline.
Comment: NM_002160.4(TNC):c.2365A>G (p.Asn789Asp) is a missense variant that results in the substitution of asparagine with aspartic acid. This variant is rare in population databases. Computational prediction algorithms are consistent with a benign effect. The currently available literature and clinical evidence are not sufficient to establish a definitive association between this variant and the reported condition. Therefore, this variant is classified as a variant of uncertain significance.